The following is an entry in ClinVar:

NM_004370.6(COL12A1):c.4561-3C>T

Gene: COL12A1 (collagen type XII alpha 1 chain; minus strand). Cytogenetic location: 6q13.
Variant type: single nucleotide variant.
Coding change: c.4561-3C>T on transcript NM_004370.6 (MANE Select); 3 bases into the intron before coding-DNA position 4561, C replaced by T.
Molecular consequence: intron variant.
Genome position (GRCh38, 1-based): chr6:75,145,458, G>A on the plus strand (C>T on the coding strand, the complement: COL12A1 is on the minus strand). VCF-style: chr6-75145458-G-A. GRCh37 (hg19) VCF-style: chr6-75855174-G-A.
Other names: c.1069-3C>T (NM_080645.3).
Identifiers: ClinVar variation 2440232 (VCV002440232.4), dbSNP rs1251553746, ClinGen allele CA568132830.

ClinVar aggregate classification (germline): Uncertain significance. Review status: criteria provided, multiple submitters, no conflicts (2 of 4 stars). 2 submissions from 2 submitters: Uncertain significance (2). Last evaluated 2025-03-25.

Allele frequency attached by ClinVar (database versions not stated): gnomAD 0.00005; gnomAD exomes below 0.00001; TOPMed 0.00003.
gnomAD v4.1: 12 of 1,612,736 alleles (0.00074%); highest among the groups gnomAD compares: African/African-American, 0.015%; no homozygotes.

Submissions (2):

Women's Health and Genetics/Laboratory Corporation of America, LabCorp
Classification: Uncertain significance. Last evaluated: 2025-03-25. Review status: criteria provided, single submitter. Criteria: LabCorp Variant Classification Summary - May 2015. Collection method: clinical testing. Allele origin: germline.
Comment: Variant summary: COL12A1 c.4561-3C>T alters a conserved nucleotide located close to a canonical splice site and therefore could affect mRNA splicing, leading to a significantly altered protein sequence. Several computational tools predict a significant impact on normal splicing: Two predict the variant weakens a 3' acceptor site. However, these predictions have yet to be confirmed by functional studies. The variant allele was found at a frequency of 4e-06 in 248628 control chromosomes. The available data on variant occurrences in the general population are insufficient to allow any conclusion about variant significance. To our knowledge, no occurrence of c.4561-3C>T in individuals affected with Ullrich congenital muscular dystrophy 2 and no experimental evidence demonstrating its impact on protein function have been reported. ClinVar contains an entry for this variant (Variation ID: 2440232). Based on the evidence outlined above, the variant was classified as uncertain significance.

Revvity Omics, Revvity
Classification: Uncertain significance. Last evaluated: 2022-04-29. Review status: criteria provided, single submitter. Criteria: ACMG Guidelines, 2015. Collection method: clinical testing. Allele origin: germline.